The following is an entry in ClinVar:

ClinVar aggregate classification (germline): Uncertain significance (1 of 4 stars; one submission).

Conditions:
Peroxisome biogenesis disorder 12A (Zellweger). Also called: Peroxisome biogenesis disorder 12A. Identifiers: Orphanet 912, MedGen C3554002, MONDO:0013951, OMIM 614886.

Allele frequency attached by ClinVar (database versions not stated): TOPMed below 0.00001; gnomAD 0.00001.

Submission:

Labcorp Genetics (formerly Invitae), Labcorp
Classification: Uncertain significance for Peroxisome biogenesis disorder 12A (Zellweger). Last evaluated: 2022-11-22. Review status: criteria provided, single submitter. Criteria: Invitae Variant Classification Sherloc (09022015). Collection method: clinical testing. Allele origin: germline.
Comment: In summary, the available evidence is currently insufficient to determine the role of this variant in disease. Therefore, it has been classified as a Variant of Uncertain Significance. Experimental studies have shown that this missense change affects PEX19 function (PMID: 28281558). Advanced modeling of protein sequence and biophysical properties (such as structural, functional, and spatial information, amino acid conservation, physicochemical variation, residue mobility, and thermodynamic stability) performed at Invitae indicates that this missense variant is expected to disrupt PEX19 protein function. ClinVar contains an entry for this variant (Variation ID: 960161). This variant has not been reported in the literature in individuals affected with PEX19-related conditions. This variant is not present in population databases (gnomAD no frequency). This sequence change replaces methionine, which is neutral and non-polar, with arginine, which is basic and polar, at codon 179 of the PEX19 protein (p.Met179Arg).

Literature cited by the submitters: PubMed 28281558.

NM_002857.4(PEX19):c.536T>G (p.Met179Arg)

Gene: PEX19 (peroxisomal biogenesis factor 19; minus strand). Cytogenetic location: 1q23.2.
Variant type: single nucleotide variant.
Coding change: c.536T>G on transcript NM_002857.4 (MANE Select); coding-DNA position 536, T replaced by G.
Protein change: p.Met179Arg; replaces methionine 179 with arginine.
Molecular consequence: missense variant. On other transcripts: non-coding transcript variant (2).
Genome position (GRCh38, 1-based): chr1:160,282,097, A>C on the plus strand (T>G on the coding strand, the complement: PEX19 is on the minus strand). VCF-style: chr1-160282097-A-C. GRCh37 (hg19) VCF-style: chr1-160251887-A-C.
Other names: c.536T>G, p.Met179Arg (NM_001193644.1); short protein forms M179R.
Identifiers: ClinVar variation 960161 (VCV000960161.9), dbSNP rs1234326495, ClinGen allele CA343260083.
Genomic context (GRCh38, chr1:160,282,097, plus strand): 5'-ACCTTTTCTGTGATCTCCTTCAGTGATGGGTACAGCACATCCTTGGAGAGTAGGTTCTGC[A>C]TAATACTCTGCATGATGGGGAGGATGTTCCCTTCCCCATCCCCTTCGTCCATGCCTAGCC-3'
Protein context (NP_002848.1, residues 169-189): GNILPIMQSI[Met179Arg]QNLLSKDVLY